The following is an entry in ClinVar:

ClinVar aggregate classification (germline): Uncertain significance (1 of 4 stars; one submission).

Conditions:
Familial thoracic aortic aneurysm and aortic dissection (TAAD). Also called: Thoracic aortic aneurysms and dissections. Identifiers: Orphanet 91387, MedGen C4707243, MONDO:0019625.

Submission:

Ambry Genetics
Classification: Uncertain significance for Familial thoracic aortic aneurysm and aortic dissection. Last evaluated: 2023-06-06. Review status: criteria provided, single submitter. Criteria: Ambry Variant Classification Scheme 2023. Collection method: clinical testing. Allele origin: germline.
Comment: The c.716_723delAGCTGAACinsTT variant (also known as p.E239_N241delinsV), located in coding exon 6 of the SMAD3 gene, results from an in-frame deletion of AGCTGAAC and insertion of TT at nucleotide positions 716 to 723. This results in the substitution of the residue for a valine residue at codon 239, an amino acid with highly similar properties. This amino acid positions are highly conserved in available vertebrate species. In addition, this alteration is predicted to be deleterious by in silico analysis (Choi Y et al. PLoS ONE. 2012; 7(10):e46688). Since supporting evidence is limited at this time, the clinical significance of this alteration remains unclear.

NM_005902.4(SMAD3):c.716_723delinsTT (p.Glu239_Asn241delinsVal)

Gene: SMAD3 (SMAD family member 3; plus strand). Cytogenetic location: 15q22.33.
Variant type: Indel.
Coding change: c.716_723delinsTT on transcript NM_005902.4 (MANE Select); coding-DNA positions 716 to 723, AGCTGAAC replaced by TT.
Protein change: p.Glu239_Asn241delinsVal.
Molecular consequence: inframe indel.
Genome position (GRCh38, 1-based): chr15:67,181,298-67,181,305, AGCTGAAC replaced by TT. VCF-style: chr15-67181298-AGCTGAAC-TT. GRCh37 (hg19) VCF-style: chr15-67473636-AGCTGAAC-TT.
Other names: c.401_408delinsTT, p.Glu134_Asn136delinsVal (NM_001145102.2, NM_001407016.1); c.584_591delinsTT, p.Glu195_Asn197delinsVal (NM_001145103.2, NM_001407012.1); c.269_276delinsTT, p.Glu90_Asn92delinsVal (NM_001407015.1); c.131_138delinsTT, p.Glu44_Asn46delinsVal (NM_001407017.1, NM_001145104.2); c.716_723delinsTT, p.Glu239_Asn241delinsVal (NM_001407011.1, NM_001407013.1); c.569_576delinsTT, p.Glu190_Asn192delinsVal (NM_001407014.1).
Identifiers: ClinVar variation 2566752 (VCV002566752.2), dbSNP rs2505283366, ClinGen allele CA2580613866.
Genomic context (GRCh38, chr15:67,181,298, plus strand): 5'-CAGACCTGCAGCCAGTTACCTACTGCGAGCCGGCCTTCTGGTGCTCCATCTCCTACTACG[AGCTGAAC>TT]CAGCGCGTCGGGGAGACATTCCACGCCTCGCAGCCATCCATGACTGTGGATGGCTTCACC-3'